The following is an entry in ClinVar:

ClinVar aggregate classification (germline): Uncertain significance (1 of 4 stars; one submission).

Conditions:
Cardiovascular phenotype. Identifiers: MedGen CN230736.

gnomAD v4.1: 1 of 1,589,712 alleles (0.000063%); highest among the groups gnomAD compares: East Asian, 0.0023%; no homozygotes.

Submission:

Ambry Genetics
Classification: Uncertain significance for Cardiovascular phenotype. Last evaluated: 2024-11-20. Review status: criteria provided, single submitter. Criteria: Ambry Variant Classification Scheme 2023. Collection method: clinical testing. Allele origin: germline.
Comment: The c.3252G>A variant (also known as p.L1084L), located in coding exon 30 of the MYBPC3 gene, results from a G to A substitution at nucleotide position 3252. This nucleotide substitution does not change the amino acid at codon 1084. This nucleotide position is well conserved in available vertebrate species. In silico splice site analysis predicts that this alteration may result in the creation or strengthening of a novel splice acceptor site. Based on the available evidence, the clinical significance of this variant remains unclear.

NM_000256.3(MYBPC3):c.3252G>A (p.Leu1084=)

Gene: MYBPC3 (myosin binding protein C3; minus strand). Cytogenetic location: 11p11.2.
Variant type: single nucleotide variant.
Coding change: c.3252G>A on transcript NM_000256.3 (MANE Select); coding-DNA position 3252, G replaced by A.
Protein change: p.Leu1084=; no amino-acid change (leucine 1084 retained).
Molecular consequence: synonymous variant.
Genome position (GRCh38, 1-based): chr11:47,333,272, C>T on the plus strand (G>A on the coding strand, the complement: MYBPC3 is on the minus strand). VCF-style: chr11-47333272-C-T. GRCh37 (hg19) VCF-style: chr11-47354823-C-T.
Identifiers: ClinVar variation 3400428 (VCV003400428.1).